The following is an entry in ClinVar:

NM_015311.3(OBSL1):c.4732_4733inv (p.Gln1578Trp)

Gene: OBSL1 (obscurin like cytoskeletal adaptor 1; minus strand). Cytogenetic location: 2q35.
Variant type: Inversion.
Coding change: c.4732_4733inv on transcript NM_015311.3 (MANE Select).
Protein change: p.Gln1578Trp; replaces glutamine 1578 with tryptophan.
Molecular consequence: missense variant.
Genome position: GRCh38 VCF-style: chr2-219554617-TG-CA. GRCh37 (hg19) VCF-style: chr2-220419339-TG-CA.
Other names: c.4732_4733delinsTG (NM_015311.2); short protein forms Q1578W.
Identifiers: ClinVar variation 1055632 (VCV001055632.11), ClinGen allele CA2499215683.

ClinVar aggregate classification (germline): Conflicting classifications of pathogenicity. Review status: criteria provided, conflicting classifications (1 of 4 stars). 3 submissions from 3 submitters: Uncertain significance (1); Likely benign (1). 1 of the submissions does not count toward it. Last evaluated 2026-02-02.

Conditions:
OBSL1-related disorder. Also called: OBSL1-related condition.

Submissions (3):

Labcorp Genetics (formerly Invitae), Labcorp
Classification: Likely benign. Last evaluated: 2026-02-02. Review status: criteria provided, single submitter. Criteria: Invitae Variant Classification Sherloc (09022015). Collection method: clinical testing. Allele origin: germline.

GeneDx
Classification: Uncertain significance. Last evaluated: 2023-03-24. Review status: criteria provided, single submitter. Criteria: GeneDx Variant Classification Process June 2021. Collection method: clinical testing. Allele origin: germline. Affected: yes.
Comment: In silico analysis supports that this variant does not alter protein structure/function; Has not been previously published as pathogenic or benign to our knowledge

PreventionGenetics, part of Exact Sciences
Classification: Likely benign for OBSL1-related condition. Last evaluated: 2021-07-09. Review status: no assertion criteria provided. Collection method: clinical testing. Allele origin: germline. Not counted in ClinVar's aggregate classification.
Comment: This variant is classified as likely benign based on ACMG/AMP sequence variant interpretation guidelines (Richards et al. 2015 PMID: 25741868, with internal and published modifications).